The following is an entry in ClinVar:

NM_013275.6(ANKRD11):c.1627A>G (p.Thr543Ala)

Gene: ANKRD11 (ankyrin repeat domain containing 11; minus strand). Cytogenetic location: 16q24.3.
Variant type: single nucleotide variant.
Coding change: c.1627A>G on transcript NM_013275.6 (MANE Select); coding-DNA position 1627, A replaced by G.
Protein change: p.Thr543Ala; replaces threonine 543 with alanine.
Molecular consequence: missense variant.
Genome position (GRCh38, 1-based): chr16:89,284,915, T>C on the plus strand (A>G on the coding strand, the complement: ANKRD11 is on the minus strand). VCF-style: chr16-89284915-T-C. GRCh37 (hg19) VCF-style: chr16-89351323-T-C.
Other names: c.1627A>G, p.Thr543Ala (NM_001256182.2, NM_001256183.2); short protein forms T543A.
Identifiers: ClinVar variation 1710669 (VCV001710669.2), dbSNP rs2544244287, ClinGen allele CA397164556.
Genomic context (GRCh38, chr16:89,284,915, plus strand): 5'-TGACCTCTGACCAAGCCGGGGAAGAAATGGTTTTCCAATTGTCTGTCCGCCAGTGCTTGG[T>C]GTGCTGGTCTGTGTGGCTGGGGTTCTGCTTCTGGGCGGCAGAGCTCCCGTGAGACGAGGT-3'
Protein context (NP_037407.4, residues 533-553): KQNPSHTDQH[Thr543Ala]KHWRTDNWKT

ClinVar aggregate classification (germline): Uncertain significance (1 of 4 stars; one submission).

Submission:

GeneDx
Classification: Uncertain significance. Last evaluated: 2022-04-15. Review status: criteria provided, single submitter. Criteria: GeneDx Variant Classification Process June 2021. Collection method: clinical testing. Allele origin: germline. Affected: yes.
Comment: Not observed at significant frequency in large population cohorts (gnomAD); In silico analysis supports that this missense variant does not alter protein structure/function; Has not been previously published as pathogenic or benign to our knowledge